The following is an entry in ClinVar:

ClinVar aggregate classification (germline): Uncertain significance. Review status: criteria provided, multiple submitters, no conflicts (2 of 4 stars). 2 submissions from 2 submitters: Uncertain significance (2). Last evaluated 2023-02-03.

Conditions:
Inborn genetic diseases. Identifiers: MedGen C0950123, MeSH D030342.

Allele frequency attached by ClinVar (database versions not stated): gnomAD 0.00001; TOPMed 0.00001; gnomAD exomes below 0.00001.
gnomAD v4.1: 12 of 1,612,098 alleles (0.00074%); highest among the groups gnomAD compares: Non-Finnish European, 0.001%; no homozygotes.

Submissions (2):

GeneDx
Classification: Uncertain significance. Last evaluated: 2023-02-03. Review status: criteria provided, single submitter. Criteria: GeneDx Variant Classification Process June 2021. Collection method: clinical testing. Allele origin: germline. Affected: yes.
Comment: In silico analysis supports that this missense variant does not alter protein structure/function; Has not been previously published as pathogenic or benign to our knowledge

Ambry Genetics
Classification: Uncertain significance for Inborn genetic diseases. Last evaluated: 2017-04-03. Review status: criteria provided, single submitter. Criteria: Ambry exome assertion method (8-5-2015). Collection method: clinical testing. Allele origin: germline. Affected: yes. Observed: 1 variant allele.

NM_052867.4(NALCN):c.4123G>T (p.Ala1375Ser)

Gene: NALCN (sodium leak channel, non-selective; minus strand). Cytogenetic location: 13q32.3.
Variant type: single nucleotide variant.
Coding change: c.4123G>T on transcript NM_052867.4 (MANE Select); coding-DNA position 4123, G replaced by T.
Protein change: p.Ala1375Ser; replaces alanine 1375 with serine.
Molecular consequence: missense variant.
Genome position (GRCh38, 1-based): chr13:101,073,658, C>A on the plus strand (G>T on the coding strand, the complement: NALCN is on the minus strand). VCF-style: chr13-101073658-C-A. GRCh37 (hg19) VCF-style: chr13-101726010-C-A.
Other names: c.4210G>T, p.Ala1404Ser (NM_001350748.2); c.4123G>T, p.Ala1375Ser (NM_001350749.2); c.4036G>T, p.Ala1346Ser (NM_001350750.2, NM_001350751.2); short protein forms A1375S, A1346S, A1404S.
Identifiers: ClinVar variation 521491 (VCV000521491.5), dbSNP rs1011292242, ClinGen allele CA388649238.